The following is an entry in ClinVar:

NM_024598.4(USB1):c.625C>T (p.Leu209Phe)

Gene: USB1 (U6 snRNA biogenesis phosphodiesterase 1; plus strand). Cytogenetic location: 16q21.
Variant type: single nucleotide variant.
Coding change: c.625C>T on transcript NM_024598.4 (MANE Select); coding-DNA position 625, C replaced by T.
Protein change: p.Leu209Phe; replaces leucine 209 with phenylalanine.
Molecular consequence: missense variant.
Genome position (GRCh38, 1-based): chr16:58,018,987, C>T. VCF-style: chr16-58018987-C-T. GRCh37 (hg19) VCF-style: chr16-58052891-C-T.
Other names: c.571C>T, p.Leu191Phe (NM_001195302.2); c.472C>T, p.Leu158Phe (NM_001330568.2); short protein forms L158F, L209F, L191F.
Identifiers: ClinVar variation 4634207 (VCV004634207.1).

ClinVar aggregate classification (germline): Uncertain significance (1 of 4 stars; one submission).

Conditions:
Inborn genetic diseases. Identifiers: MedGen C0950123, MeSH D030342.

Submission:

Ambry Genetics
Classification: Uncertain significance for Inborn genetic diseases. Last evaluated: 2025-11-15. Review status: criteria provided, single submitter. Criteria: Ambry Variant Classification Scheme 2023. Collection method: clinical testing. Allele origin: germline.
Comment: The p.L209F variant (also known as c.625C>T), located in coding exon 6 of the USB1 gene, results from a C to T substitution at nucleotide position 625. The leucine at codon 209 is replaced by phenylalanine, an amino acid with highly similar properties. This amino acid position is conserved. In addition, this alteration is predicted to be tolerated by in silico analysis. Based on the available evidence, the clinical significance of this variant remains unclear.